The following is an entry in ClinVar:

ClinVar aggregate classification (germline): Uncertain significance (0 of 4 stars; one submission).

Conditions:
PLXNA3-related disorder. Also called: PLXNA3-related condition.

gnomAD v4.1: 4 of 1,205,122 alleles (0.00033%); highest among the groups gnomAD compares: African/African-American, 0.007%; no homozygotes.

Submission:

PreventionGenetics, part of Exact Sciences
Classification: Uncertain significance for PLXNA3-related condition. Last evaluated: 2024-09-06. Review status: no assertion criteria provided. Collection method: clinical testing. Allele origin: germline.
Comment: The PLXNA3 c.2317A>G variant is predicted to result in the amino acid substitution p.Ile773Val. To our knowledge, this variant has not been reported in the literature. This variant is reported in 0.0076% of alleles in individuals of African descent in gnomAD. At this time, the clinical significance of this variant is uncertain due to the absence of conclusive functional and genetic evidence.

NM_017514.5(PLXNA3):c.2317A>G (p.Ile773Val)

Gene: PLXNA3 (plexin A3; plus strand). Cytogenetic location: Xq28.
Variant type: single nucleotide variant.
Coding change: c.2317A>G on transcript NM_017514.5 (MANE Select); coding-DNA position 2317, A replaced by G.
Protein change: p.Ile773Val; replaces isoleucine 773 with valine.
Molecular consequence: missense variant.
Genome position (GRCh38, 1-based): chrX:154,465,496, A>G. VCF-style: chrX-154465496-A-G. GRCh37 (hg19) VCF-style: chrX-153693839-A-G.
Other names: short protein forms I773V.
Identifiers: ClinVar variation 3357322 (VCV003357322.1).
Genomic context (GRCh38, chrX:154,465,496, plus strand): 5'-GGTGATGAGCATGGTGACACCGAGCTGGACTTTTCCGTGGTCTGGGATGGAGACTTCCCC[A>G]TAGACAAGCCTCCCAGCTTCCGAGGTGAAGGCATGGGCCAGGGAGCTTCCCTCCTAAGGC-3'
Protein context (NP_059984.3, residues 763-783): FSVVWDGDFP[Ile773Val]DKPPSFRALL